The following is an entry in ClinVar:

ClinVar aggregate classification (germline): Conflicting classifications of pathogenicity. Review status: criteria provided, conflicting classifications (1 of 4 stars). 3 submissions from 3 submitters: Likely pathogenic (1); Uncertain significance (1). 1 of the submissions does not count toward it. Last evaluated 2025-05-01.

Conditions:
NEURODEVELOPMENTAL DISORDER WITH OR WITHOUT MACROCEPHALY (NEDMAC). Identifiers: MedGen CN382567, OMIM 301174.
Neurodevelopmental disorder. Identifiers: MedGen C1535926, MeSH D065886, MONDO:0700092.

Submissions (3):

Developmental Brain Disorders Lab, Seattle Children's Hospital
Classification: Likely pathogenic for Neurodevelopmental disorder. Last evaluated: 2025-05-01. Review status: criteria provided, single submitter. Criteria: ACMG Guidelines, 2015. Collection method: research. Allele origin: de novo. Affected: yes.
Comment: This variant is a nonsense variant in a gene where loss of function is a proposed mechanism of disease. It is absent in gnomAD v4.1.0. It meets ACMG variant classification criteria (PVS1, PM2) (PMID:25741868).

Blueprint Genetics
Classification: Uncertain significance. Last evaluated: 2021-11-05. Review status: criteria provided, single submitter. Criteria: ACMG Guidelines, 2015. Collection method: clinical testing. Allele origin: germline.

OMIM
Classification: Pathogenic for NEURODEVELOPMENTAL DISORDER WITH MACROCEPHALY. Last evaluated: 2026-11-10. Review status: no assertion criteria provided. Collection method: literature only. Allele origin: germline. Not counted in ClinVar's aggregate classification.

Literature cited by the submitters: PubMed 41213919 (cited by OMIM).

NM_001282874.2(SMARCA1):c.565C>T (p.Arg189Ter)

Gene: SMARCA1 (SNF2 related chromatin remodeling ATPase 1; minus strand). Cytogenetic location: Xq26.1.
Variant type: single nucleotide variant.
Coding change: c.565C>T on transcript NM_001282874.2 (MANE Select); coding-DNA position 565, C replaced by T.
Protein change: p.Arg189Ter; replaces arginine 189 with a stop codon.
Molecular consequence: nonsense.
Genome position (GRCh38, 1-based): chrX:129,515,752, G>A on the plus strand (C>T on the coding strand, the complement: SMARCA1 is on the minus strand). VCF-style: chrX-129515752-G-A. GRCh37 (hg19) VCF-style: chrX-128649729-G-A.
Other names: c.565C>T, p.Arg189Ter (NM_001282875.2, NM_001378261.1, NM_001378262.1 and 3 more transcripts); short protein forms R189*.
Identifiers: ClinVar variation 3901140 (VCV003901140.3).